The following is an entry in ClinVar:

NM_001166108.2(PALLD):c.2320G>A (p.Val774Met)

Genes: CBR4 (carbonyl reductase 4; minus strand), PALLD (palladin, cytoskeletal associated protein; plus strand). Cytogenetic location: 4q32.3.
Variant type: single nucleotide variant.
Coding change: c.2320G>A on transcript NM_001166108.2 (MANE Select); coding-DNA position 2320, G replaced by A.
Protein change: p.Val774Met; replaces valine 774 with methionine.
Molecular consequence: missense variant.
Genome position (GRCh38, 1-based): chr4:168,898,562, G>A. VCF-style: chr4-168898562-G-A. GRCh37 (hg19) VCF-style: chr4-169819713-G-A.
Other names: c.1123G>A, p.Val375Met (NM_001166109.2); c.808G>A, p.Val270Met (NM_001166110.2); c.148G>A, p.Val50Met (NM_001367567.1, NM_001367569.1); c.199G>A, p.Val67Met (NM_001367568.1, NM_001367570.1); c.2269G>A, p.Val757Met (NM_016081.4); short protein forms V270M, V50M, V67M, V774M, V375M, V757M.
Identifiers: ClinVar variation 1788737 (VCV001788737.2), dbSNP rs2533732606, ClinGen allele CA358798792.

ClinVar aggregate classification (germline): Uncertain significance (1 of 4 stars; one submission).

Allele frequency attached by ClinVar (database versions not stated): gnomAD exomes below 0.00001.
gnomAD v4.1: 1 of 1,614,000 alleles (0.000062%); highest among the groups gnomAD compares: Non-Finnish European, 0.000085%; no homozygotes.

Submission:

Ambry Genetics
Classification: Uncertain significance. Last evaluated: 2022-05-03. Review status: criteria provided, single submitter. Criteria: Ambry Variant Classification Scheme 2023. Collection method: clinical testing. Allele origin: germline.
Comment: The p.V757M variant (also known as c.2269G>A), located in coding exon 12 of the PALLD gene, results from a G to A substitution at nucleotide position 2269. The valine at codon 757 is replaced by methionine, an amino acid with highly similar properties. This amino acid position is conserved. In addition, the in silico prediction for this alteration is inconclusive. Since supporting evidence is limited at this time, the clinical significance of this alteration remains unclear.